The following is an entry in ClinVar:

ClinVar aggregate classification (germline): Uncertain significance (1 of 4 stars; one submission).

Allele frequency attached by ClinVar (database versions not stated): TOPMed 0.00001; gnomAD exomes 0.00002.
gnomAD v4.1: 32 of 1,551,602 alleles (0.0021%); highest among the groups gnomAD compares: Non-Finnish European, 0.0026%; no homozygotes.

Submission:

Labcorp Genetics (formerly Invitae), Labcorp
Classification: Uncertain significance. Last evaluated: 2022-08-19. Review status: criteria provided, single submitter. Criteria: Invitae Variant Classification Sherloc (09022015). Collection method: clinical testing. Allele origin: germline.
Comment: This sequence change replaces glycine, which is neutral and non-polar, with arginine, which is basic and polar, at codon 640 of the UNC80 protein (p.Gly640Arg). This variant is present in population databases (rs372996455, gnomAD 0.004%). This variant has not been reported in the literature in individuals affected with UNC80-related conditions. Algorithms developed to predict the effect of missense changes on protein structure and function are either unavailable or do not agree on the potential impact of this missense change (SIFT: "Not Available"; PolyPhen-2: "Probably Damaging"; Align-GVGD: "Not Available"). In summary, the available evidence is currently insufficient to determine the role of this variant in disease. Therefore, it has been classified as a Variant of Uncertain Significance.

NM_001371986.1(UNC80):c.1918G>A (p.Gly640Arg)

Gene: UNC80 (unc-80 homolog, NALCN channel complex subunit; plus strand). Cytogenetic location: 2q34.
Variant type: single nucleotide variant.
Coding change: c.1918G>A on transcript NM_001371986.1 (MANE Select); coding-DNA position 1918, G replaced by A.
Protein change: p.Gly640Arg; replaces glycine 640 with arginine.
Molecular consequence: missense variant.
Genome position (GRCh38, 1-based): chr2:209,819,217, G>A. VCF-style: chr2-209819217-G-A. GRCh37 (hg19) VCF-style: chr2-210683941-G-A.
Other names: c.1918G>A, p.Gly640Arg (NM_032504.2, NM_182587.4); short protein forms G640R.
Identifiers: ClinVar variation 2171518 (VCV002171518.1), dbSNP rs372996455, ClinGen allele CA64668343.
Genomic context (GRCh38, chr2:209,819,217, plus strand): 5'-CGAAGCCTCACAGACTCCTGCATAAACTACAGCTACCTAGAGGACACAGAACATATTGAC[G>A]GGACCAATAACTTTGTCCACAAGAATGGAATGCTTGATCTTTCTGTAAGAAGCAAGAATT-3'
Protein context (NP_001358915.1, residues 630-650): SYLEDTEHID[Gly640Arg]TNNFVHKNGM